The following is an entry in ClinVar:

ClinVar aggregate classification (germline): Uncertain significance. Review status: criteria provided, multiple submitters, no conflicts (2 of 4 stars). 2 submissions from 2 submitters: Uncertain significance (2). Last evaluated 2025-09-14.

Conditions:
Epidermolysis bullosa simplex with nail dystrophy (EBS5D). Identifiers: MedGen C4225309, MONDO:0014661, OMIM 616487.
Epidermolysis bullosa simplex, Ogna type (EBS5A). Also called: Pidermolysis bullosa simplex 5A, Ogna type; EPIDERMOLYSIS BULLOSA SIMPLEX 5A, OGNA TYPE. Identifiers: Orphanet 79401, MedGen C0432317, MONDO:0007555, OMIM 131950.
Autosomal recessive limb-girdle muscular dystrophy type 2Q (LGMDR17). Also called: MUSCULAR DYSTROPHY, LIMB-GIRDLE, AUTOSOMAL RECESSIVE 17. Identifiers: Orphanet 254361, MedGen C3150989, MONDO:0013390, OMIM 613723.
Epidermolysis bullosa simplex 5C, with pyloric atresia (EBS5C). Also called: PLEC-Related Epidermolysis Bullosa with Pyloric Atresia; Epidermolysis bullosa simplex with pyloric atresia; PLEC1-Related Epidermolysis Bullosa with Pyloric Atresia. Identifiers: Orphanet 158684, MedGen C2677349, MONDO:0012807, OMIM 612138.
Epidermolysis bullosa simplex 5B, with muscular dystrophy (EBS5B). Also called: EPIDERMOLYSIS BULLOSA SIMPLEX AND LIMB-GIRDLE MUSCULAR DYSTROPHY; Epidermolysis bullosa simplex with muscular dystrophy. Identifiers: Orphanet 257, MedGen C2931072, MONDO:0009181, OMIM 226670.

Allele frequency attached by ClinVar (database versions not stated): gnomAD exomes 0.00001; ExAC 0.00002; gnomAD 0.00003; TOPMed 0.00003; ESP Exome Variant Server 0.00008.
gnomAD v4.1: 21 of 1,613,392 alleles (0.0013%); highest among the groups gnomAD compares: Middle Eastern, 0.016%; no homozygotes.

Submissions (2):

Labcorp Genetics (formerly Invitae), Labcorp
Classification: Uncertain significance for Autosomal recessive limb-girdle muscular dystrophy type 2Q; Epidermolysis bullosa simplex, Ogna type; Epidermolysis bullosa simplex with nail dystrophy; Epidermolysis bullosa simplex 5C, with pyloric atresia; Epidermolysis bullosa simplex 5B, with muscular dystrophy. Last evaluated: 2025-09-14. Review status: criteria provided, single submitter. Criteria: Invitae Variant Classification Sherloc (09022015). Collection method: clinical testing. Allele origin: germline.
Comment: This sequence change replaces arginine, which is basic and polar, with cysteine, which is neutral and slightly polar, at codon 1370 of the PLEC protein (p.Arg1370Cys). This variant is present in population databases (rs376359597, gnomAD 0.008%). This missense change has been observed in individual(s) with epidermolysis bullosa simplex (PMID: 31001817). ClinVar contains an entry for this variant (Variation ID: 471585). Invitae Evidence Modeling of protein sequence and biophysical properties (such as structural, functional, and spatial information, amino acid conservation, physicochemical variation, residue mobility, and thermodynamic stability) indicates that this missense variant is expected to disrupt PLEC protein function with a positive predictive value of 80%. In summary, the available evidence is currently insufficient to determine the role of this variant in disease. Therefore, it has been classified as a Variant of Uncertain Significance.

Revvity Omics, Revvity
Classification: Uncertain significance. Last evaluated: 2025-05-05. Review status: criteria provided, single submitter. Criteria: ACMG Guidelines, 2015. Collection method: clinical testing. Allele origin: germline.

Literature cited by the submitters: PubMed 31001817 (cited by Labcorp Genetics (formerly Invitae), Labcorp).

NM_201384.3(PLEC):c.4027C>T (p.Arg1343Cys)

Gene: PLEC (plectin; minus strand). Cytogenetic location: 8q24.3.
Variant type: single nucleotide variant.
Coding change: c.4027C>T on transcript NM_201384.3 (MANE Select); coding-DNA position 4027, C replaced by T.
Protein change: p.Arg1343Cys; replaces arginine 1343 with cysteine.
Molecular consequence: missense variant.
Genome position (GRCh38, 1-based): chr8:143,926,801, G>A on the plus strand (C>T on the coding strand, the complement: PLEC is on the minus strand). VCF-style: chr8-143926801-G-A. GRCh37 (hg19) VCF-style: chr8-145000969-G-A.
Other names: c.4108C>T, p.Arg1370Cys (NM_000445.5); c.3985C>T, p.Arg1329Cys (NM_201378.4); c.3961C>T, p.Arg1321Cys (NM_201379.3); c.4438C>T, p.Arg1480Cys (NM_201380.4); c.3931C>T, p.Arg1311Cys (NM_201381.3); c.4027C>T, p.Arg1343Cys (NM_201382.4); c.4039C>T, p.Arg1347Cys (NM_201383.3); short protein forms R1329C, R1370C, R1321C, R1343C, R1480C, R1311C, R1347C.
Identifiers: ClinVar variation 471585 (VCV000471585.6), dbSNP rs376359597, ClinGen allele CA4926804.
Genomic context (GRCh38, chr8:143,926,801, plus strand): 5'-TGAGATGGAACCCTCTGCCCAGCCTCCGCCCAACGGGCTGTACCTCCTCCTCCTCCATGC[G>A]CCGCAGAGTCTCGCTGATGAACTTGATGTACTGGCTCGTCAGTGTGGTCAGCTCGCTGTA-3'
Protein context (NP_958786.1, residues 1333-1353): YIKFISETLR[Arg1343Cys]MEEEERLAEQ